The following is an entry in ClinVar:

ClinVar aggregate classification (germline): Uncertain significance. Review status: criteria provided, multiple submitters, no conflicts (2 of 4 stars). 3 submissions from 3 submitters: Uncertain significance (2). 1 of the submissions does not count toward it. Last evaluated 2026-06-29.

Conditions:
Amyotrophic lateral sclerosis type 23. Identifiers: MedGen C4693381, MONDO:0027694, OMIM 617839.

Allele frequency attached by ClinVar (database versions not stated): gnomAD 0.00004; 1000 Genomes Project 0.00020; TOPMed 0.00003; ESP Exome Variant Server 0.00008; gnomAD exomes 0.00006; 1000 Genomes Project 30x 0.00016; ExAC 0.00010.
gnomAD v4.1: 86 of 1,613,920 alleles (0.0053%); highest among the groups gnomAD compares: Middle Eastern, 0.016%; no homozygotes.

Submissions (3):

Women's Health and Genetics/Laboratory Corporation of America, LabCorp
Classification: Uncertain significance. Last evaluated: 2026-06-29. Review status: criteria provided, single submitter. Criteria: LabCorp Variant Classification Summary - May 2015. Collection method: clinical testing. Allele origin: germline.
Comment: Variant summary: ANXA11 c.1424G>A (p.Arg475Gln) results in a conservative amino acid change in the encoded protein sequence. Algorithms developed to predict the effect of missense changes on protein structure and function are either unavailable or do not agree on the potential impact of this missense change. The variant allele was found at a frequency of 6e-05 in 251284 control chromosomes. This frequency is not significantly higher than estimated for disease-causing variants in ANXA11, allowing no conclusion about variant significance. To our knowledge, no occurrence of c.1424G>A in individuals affected with ANXA11-related conditions and no experimental evidence demonstrating its impact on protein function have been reported. ClinVar contains an entry for this variant (Variation ID: 1398399). Based on the evidence outlined above, the variant was classified as uncertain significance.

Labcorp Genetics (formerly Invitae), Labcorp
Classification: Uncertain significance. Last evaluated: 2023-09-03. Review status: criteria provided, single submitter. Criteria: Invitae Variant Classification Sherloc (09022015). Collection method: clinical testing. Allele origin: germline.
Comment: This variant is present in population databases (rs146644733, gnomAD 0.04%). This sequence change replaces arginine, which is basic and polar, with glutamine, which is neutral and polar, at codon 475 of the ANXA11 protein (p.Arg475Gln). This variant has not been reported in the literature in individuals affected with ANXA11-related conditions. An algorithm developed to predict the effect of missense changes on protein structure and function (PolyPhen-2) suggests that this variant is likely to be tolerated. ClinVar contains an entry for this variant (Variation ID: 1398399). In summary, the available evidence is currently insufficient to determine the role of this variant in disease. Therefore, it has been classified as a Variant of Uncertain Significance.

Zotz-Klimas Genetics Lab, MVZ Zotz Klimas
Classification: Uncertain significance for Amyotrophic lateral sclerosis type 23. Last evaluated: 2023-11-02. Review status: no assertion criteria provided. Collection method: clinical testing. Allele origin: germline. Affected: yes. Not counted in ClinVar's aggregate classification.

NM_145868.2(ANXA11):c.1424G>A (p.Arg475Gln)

Gene: ANXA11 (annexin A11; minus strand). Cytogenetic location: 10q22.3.
Variant type: single nucleotide variant.
Coding change: c.1424G>A on transcript NM_145868.2 (MANE Select); coding-DNA position 1424, G replaced by A.
Protein change: p.Arg475Gln; replaces arginine 475 with glutamine.
Molecular consequence: missense variant.
Genome position (GRCh38, 1-based): chr10:80,157,675, C>T on the plus strand (G>A on the coding strand, the complement: ANXA11 is on the minus strand). VCF-style: chr10-80157675-C-T. GRCh37 (hg19) VCF-style: chr10-81917431-C-T.
Other names: c.1424G>A, p.Arg475Gln (NM_001157.3, NM_001278407.2, NM_001278408.2 and 1 more transcripts); c.1325G>A, p.Arg442Gln (NM_001278409.2); short protein forms R442Q, R475Q.
Identifiers: ClinVar variation 1398399 (VCV001398399.9), dbSNP rs146644733, ClinGen allele CA5575770.